The following is an entry in ClinVar:

NM_000062.3(SERPING1):c.1396C>T (p.Arg466Cys)

Gene: SERPING1 (serpin family G member 1; plus strand). Cytogenetic location: 11q12.1.
Variant type: single nucleotide variant.
Coding change: c.1396C>T on transcript NM_000062.3 (MANE Select); coding-DNA position 1396, C replaced by T.
Protein change: p.Arg466Cys; replaces arginine 466 with cysteine.
Molecular consequence: missense variant.
Genome position (GRCh38, 1-based): chr11:57,614,474, C>T. VCF-style: chr11-57614474-C-T. GRCh37 (hg19) VCF-style: chr11-57381947-C-T.
Other names: R444C; c.1396C>T, p.Arg466Cys (NM_001032295.2); short protein forms R466C.
Identifiers: ClinVar variation 3947 (VCV000003947.43), dbSNP rs28940870, ClinGen allele CA116521.
Genomic context (GRCh38, chr11:57,614,474, plus strand): 5'-GTGCTGGAACTGACAGAGACTGGGGTGGAGGCGGCTGCAGCCTCCGCCATCTCTGTGGCC[C>T]GCACCCTGCTGGTCTTTGAAGTGCAGCAGCCCTTCCTCTTCGTGCTCTGGGACCAGCAGC-3'
Protein context (NP_000053.2, residues 456-476): AAAASAISVA[Arg466Cys]TLLVFEVQQP

ClinVar aggregate classification (germline): Pathogenic. Review status: criteria provided, multiple submitters, no conflicts (2 of 4 stars). 11 submissions from 11 submitters: Pathogenic (9). 2 of the submissions do not count toward it. Last evaluated 2025-12-06.

Conditions:
SERPING1-related disorder. Also called: SERPING1-related condition.
C1 inhibitor deficiency. Identifiers: MedGen C1852700, MONDO:0007361, OMIM 120790.
Hereditary angioedema type 1 (HAE1). Identifiers: Orphanet 100050, Orphanet 100051, Orphanet 91378, MedGen C2717906, MONDO:0015053, OMIM 106100.
Hereditary C1 esterase inhibitor deficiency - dysfunctional factor (HAE2). Identifiers: Orphanet 100051, MedGen C0398776, MONDO:0015054.

Submissions (11):

Labcorp Genetics (formerly Invitae), Labcorp
Classification: Pathogenic. Last evaluated: 2025-12-06. Review status: criteria provided, single submitter. Criteria: Invitae Variant Classification Sherloc (09022015). Collection method: clinical testing. Allele origin: germline.
Comment: This sequence change replaces arginine, which is basic and polar, with cysteine, which is neutral and slightly polar, at codon 466 of the SERPING1 protein (p.Arg466Cys). This variant is not present in population databases (gnomAD no frequency). This missense change has been observed in individuals with hereditary angioedema (PMID: 2563376, 18586324, 18758157, 23437219, 26812872, 30556912). It has also been observed to segregate with disease in related individuals. This variant is also known as p.Arg444Cys. ClinVar contains an entry for this variant (Variation ID: 3947). Invitae Evidence Modeling of protein sequence and biophysical properties (such as structural, functional, and spatial information, amino acid conservation, physicochemical variation, residue mobility, and thermodynamic stability) has been performed for this missense variant. However, the output from this modeling did not meet the statistical confidence thresholds required to predict the impact of this variant on SERPING1 protein function. This variant disrupts the p.Arg466 amino acid residue in SERPING1. Other variant(s) that disrupt this residue have been determined to be pathogenic (PMID: 2563376, 23437219, 30556912). This suggests that this residue is clinically significant, and that variants that disrupt this residue are likely to be disease-causing. For these reasons, this variant has been classified as Pathogenic.

Blueprint Genetics
Classification: Pathogenic for SERPING1-related disorders. Last evaluated: 2024-08-12. Review status: criteria provided, single submitter. Criteria: ACMG Guidelines, 2015. Collection method: clinical testing. Allele origin: germline. Affected: yes. Observed: 3 variant alleles.

Clinical Genetics Laboratory, Skane University Hospital Lund
Classification: Pathogenic. Last evaluated: 2024-03-19. Review status: criteria provided, single submitter. Criteria: ACMG Guidelines, 2015. Collection method: clinical testing. Allele origin: germline. Affected: yes.

CeGaT Center for Human Genetics Tuebingen
Classification: Pathogenic. Last evaluated: 2023-09-01. Review status: criteria provided, single submitter. Criteria: CeGaT Center For Human Genetics Tuebingen Variant Classification Criteria Version 2. Collection method: clinical testing. Allele origin: germline. Affected: yes. Observed: 1 variant allele.
Comment: SERPING1: PM1, PM2, PM5, PS4:Moderate, PP1, PP4

GeneDx
Classification: Pathogenic. Last evaluated: 2022-12-13. Review status: criteria provided, single submitter. Criteria: GeneDx Variant Classification Process June 2021. Collection method: clinical testing. Allele origin: germline. Affected: yes.
Comment: Not observed in large population cohorts (gnomAD); In silico analysis supports that this missense variant has a deleterious effect on protein structure/function; This variant is associated with the following publications: (PMID: 27116602, 23437219, 23123409, 24456027, 26154504, 26751894, 26535898, 2563376, 18758157, 18586324, 25258140, 15971231, 22994404, 26809362, 26812872, 27826968, 21864911, 28302171, 29753808, 30556912, 32896191)

Institute of Human Genetics, University of Leipzig Medical Center
Classification: Pathogenic for Hereditary angioedema type 1. Last evaluated: 2018-12-12. Review status: criteria provided, single submitter. Criteria: ACMG Guidelines, 2015. Collection method: clinical testing. Allele origin: germline. Affected: yes. Observed: 1 variant allele.

Department of Immunology and Histocompatibility, University of Thessaly
Classification: Pathogenic for Hereditary angioedema type 1. Review status: criteria provided, single submitter. Criteria: ACMG Guidelines, 2015. Collection method: clinical testing. Allele origin: inherited. Affected: yes. Observed: 5 variant alleles.
Comment: The c.1396C>T (p.Arg466Cys) variant has been previously reported in association with with hereditary angioedema in the literature (Skriver et al., 1989; Freiberger et al., 2002; Roche et al., 2005; Gosswein et al., 2008; Pappalardo et al., 2008; Lopez-Lera et al., 2011; Xu et al., 2012; Cagini et al., 2016, Loules et al., 2018), in HAE database and in ClinVar database. The variant has not been detected in approximately 120000 individuals of the Exome Aggregation Consortium (ExAC) database, indicating that it is not a common variant. Skriver et al., 1989 presented conflicting observations about the inhibitory activity of C1-INH and consequently about the pathogenicity of the mutation. Missense variants changing the same residue [c.1397G>A (p.Arg466His), c.1396C>A (p.Arg466Ser), c.1396C>G (p.Arg466Gly), c.1397G>C (p.Arg466Pro), c.1397G>T (p.Arg466Leu)] and in nearby residues [c.1394C>T (p.Ala465Val)] have been previously reported in association with angioneurotic edema. Taking all the above into account and according to ACMG Guidelines, 2015 (Criteria: PS1, PS4, PM2, PP1, PP2, PP4), the variant is considered pathogenic.

Juno Genomics, Hangzhou Juno Genomics, Inc
Classification: Pathogenic for Hereditary angioedema type 1; C1 inhibitor deficiency. Review status: criteria provided, single submitter. Criteria: ACMG Guidelines, 2015. Collection method: clinical testing. Allele origin: germline.
Comment: Absent from controls (or at extremely low frequency if recessive) in Genome Aggregation Database.;Multiple lines of computational evidence support a deleterious effect on the gene or gene product.;Patient's phenotype or family history is highly specific for a disease with a single genetic etiology.;The prevalence of the variant in affected individuals is significantly increased compared to the prevalence in controls.;Co-segregation with disease in multiple affected family members.

Neuberg Centre For Genomic Medicine, NCGM
Classification: Pathogenic for Hereditary angioedema type 1. Review status: criteria provided, single submitter. Criteria: ACMG Guidelines, 2015. Collection method: clinical testing. Allele origin: germline. Inheritance: Autosomal dominant inheritance. Affected: yes.
Comment: The observed missense variant c.1396C>T(p.Arg466Cys) in SERPING1 gene has been reported previously in heterozygous state in multiple individuals individual(s) with hereditary angioedema (Andrejević S, et al., 2015; Cagini N, et al., 2016; Nabilou S, et al., 2022). Other variants (p.Arg466Pro, p.Arg466His, p.Arg466Leu) affecting the same position have been reported to be pathogenic/likely pathogenic in teh ClinVar database (Cagini N, et al., 2023). This variant is absent in the gnomAD Exomes. This variant has been reported to the ClinVar database as Pathogenic by multiple submitters. The amino acid Arg at position 466 is changed to a Cys changing protein sequence and it might alter its composition and physico-chemical properties. Multiple lines of computational evidence (Polyphen - Possibly damaging, SIFT – Damaging and MutationTaster - Disease causing) predict a damaging effect on protein structure and function for this variant. The residue is conserved by GERP++ and PhyloP across 100 vertebrates. For these reasons, this variant has been classified as Pathogenic.

OMIM
Classification: Pathogenic for ANGIOEDEMA, HEREDITARY, 2. Last evaluated: 2021-06-11. Review status: no assertion criteria provided. Collection method: literature only. Allele origin: germline. Not counted in ClinVar's aggregate classification.

UniProtKB/Swiss-Prot
No classification provided. Review status: no classification provided. Collection method: not provided. Allele origin: not provided. Not counted in ClinVar's aggregate classification.

Literature cited by the submitters: PubMed 2563376 (cited by Labcorp Genetics (formerly Invitae), Labcorp); PubMed 18586324 (cited by Labcorp Genetics (formerly Invitae), Labcorp); PubMed 18758157 (cited by Labcorp Genetics (formerly Invitae), Labcorp); PubMed 23437219 (cited by Labcorp Genetics (formerly Invitae), Labcorp); PubMed 26812872 (cited by Labcorp Genetics (formerly Invitae), Labcorp); PubMed 30556912 (cited by Labcorp Genetics (formerly Invitae), Labcorp); PubMed 29753808 (cited by Department of Immunology and Histocompatibility, University of Thessaly).